The following is an entry in ClinVar:

NM_018192.4(P3H2):c.1121G>A (p.Arg374His)

Gene: P3H2 (prolyl 3-hydroxylase 2; minus strand). Cytogenetic location: 3q28.
Variant type: single nucleotide variant.
Coding change: c.1121G>A on transcript NM_018192.4 (MANE Select); coding-DNA position 1121, G replaced by A.
Protein change: p.Arg374His; replaces arginine 374 with histidine.
Molecular consequence: missense variant.
Genome position (GRCh38, 1-based): chr3:189,986,855, C>T on the plus strand (G>A on the coding strand, the complement: P3H2 is on the minus strand). VCF-style: chr3-189986855-C-T. GRCh37 (hg19) VCF-style: chr3-189704644-C-T.
Other names: c.1121G>A (NM_018192.3); c.578G>A, p.Arg193His (NM_001134418.2); short protein forms R193H, R374H.
Identifiers: ClinVar variation 1915441 (VCV001915441.4), dbSNP rs1208578730, ClinGen allele CA355757181.

ClinVar aggregate classification (germline): Uncertain significance. Review status: criteria provided, multiple submitters, no conflicts (2 of 4 stars). 3 submissions from 3 submitters: Uncertain significance (3). Last evaluated 2024-12-11.

Conditions:
Inborn genetic diseases. Identifiers: MedGen C0950123, MeSH D030342.

Allele frequency attached by ClinVar (database versions not stated): gnomAD 0.00002; gnomAD exomes 0.00002; TOPMed 0.00002.

Submissions (3):

Ambry Genetics
Classification: Uncertain significance for Inborn genetic diseases. Last evaluated: 2024-12-11. Review status: criteria provided, single submitter. Criteria: Ambry Variant Classification Scheme 2023. Collection method: clinical testing. Allele origin: germline.

Labcorp Genetics (formerly Invitae), Labcorp
Classification: Uncertain significance. Last evaluated: 2022-05-19. Review status: criteria provided, single submitter. Criteria: Invitae Variant Classification Sherloc (09022015). Collection method: clinical testing. Allele origin: germline.
Comment: This sequence change replaces arginine, which is basic and polar, with histidine, which is basic and polar, at codon 374 of the P3H2 protein (p.Arg374His). This variant is present in population databases (no rsID available, gnomAD 0.003%). This variant has not been reported in the literature in individuals affected with P3H2-related conditions. Algorithms developed to predict the effect of missense changes on protein structure and function output the following: SIFT: "Deleterious"; PolyPhen-2: "Benign"; Align-GVGD: "Class C25". The histidine amino acid residue is found in multiple mammalian species, which suggests that this missense change does not adversely affect protein function. In summary, the available evidence is currently insufficient to determine the role of this variant in disease. Therefore, it has been classified as a Variant of Uncertain Significance.

Blueprint Genetics
Classification: Uncertain significance. Last evaluated: 2020-10-26. Review status: criteria provided, single submitter. Criteria: ACMG Guidelines, 2015. Collection method: clinical testing. Allele origin: germline.